The following is an entry in ClinVar:

ClinVar aggregate classification (germline): Likely benign. Review status: criteria provided, multiple submitters, no conflicts (2 of 4 stars). 2 submissions from 2 submitters: Likely benign (2). Last evaluated 2026-03-01.

Allele frequency attached by ClinVar (database versions not stated): gnomAD 0.00001; TOPMed 0.00002.
gnomAD v4.1: 36 of 1,613,912 alleles (0.0022%); highest among the groups gnomAD compares: Admixed American, 0.0033%; no homozygotes.

Submissions (2):

CeGaT Center for Human Genetics Tuebingen
Classification: Likely benign. Last evaluated: 2026-03-01. Review status: criteria provided, single submitter. Criteria: CeGaT Center For Human Genetics Tuebingen Variant Classification Criteria Version 2. Collection method: clinical testing. Allele origin: germline. Affected: yes. Observed: 1 variant allele.
Comment: LAMA1: BP4, BP7

Labcorp Genetics (formerly Invitae), Labcorp
Classification: Likely benign. Last evaluated: 2023-12-13. Review status: criteria provided, single submitter. Criteria: Invitae Variant Classification Sherloc (09022015). Collection method: clinical testing. Allele origin: germline.

NM_005559.4(LAMA1):c.891C>T (p.Cys297=)

Gene: LAMA1 (laminin subunit alpha 1; minus strand). Cytogenetic location: 18p11.31.
Variant type: single nucleotide variant.
Coding change: c.891C>T on transcript NM_005559.4 (MANE Select); coding-DNA position 891, C replaced by T.
Protein change: p.Cys297=; no amino-acid change (cysteine 297 retained).
Molecular consequence: synonymous variant.
Genome position (GRCh38, 1-based): chr18:7,044,807, G>A on the plus strand (C>T on the coding strand, the complement: LAMA1 is on the minus strand). VCF-style: chr18-7044807-G-A. GRCh37 (hg19) VCF-style: chr18-7044806-G-A.
Identifiers: ClinVar variation 2981039 (VCV002981039.7), dbSNP rs749281239, ClinGen allele CA8883151.